The following is an entry in ClinVar:

NM_153026.3(PRICKLE1):c.1631A>G (p.Asn544Ser)

Gene: PRICKLE1 (prickle planar cell polarity protein 1; minus strand). Cytogenetic location: 12q12.
Variant type: single nucleotide variant.
Coding change: c.1631A>G on transcript NM_153026.3 (MANE Select); coding-DNA position 1631, A replaced by G.
Protein change: p.Asn544Ser; replaces asparagine 544 with serine.
Molecular consequence: missense variant.
Genome position (GRCh38, 1-based): chr12:42,464,403, T>C on the plus strand (A>G on the coding strand, the complement: PRICKLE1 is on the minus strand). VCF-style: chr12-42464403-T-C. GRCh37 (hg19) VCF-style: chr12-42858205-T-C.
Other names: c.1631A>G, p.Asn544Ser (NM_001144881.2, NM_001144882.2, NM_001144883.2); short protein forms N544S.
Identifiers: ClinVar variation 858528 (VCV000858528.7), dbSNP rs1361111517, ClinGen allele CA384441261.
Genomic context (GRCh38, chr12:42,464,403, plus strand): 5'-ACTTTTTAGTAGCTCCTTTTTTCAAATACCCCATAATCCCTAGATTACGTACCTGTGATA[T>C]TGGACAATGCCAAAGAATCCATCGAATCCCGAACACTTTGCTCTGGTTTCAGGTCTGACA-3'
Protein context (NP_694571.2, residues 534-554): RDSMDSLALS[Asn544Ser]ITGASVDGEN

ClinVar aggregate classification (germline): Uncertain significance (1 of 4 stars; one submission).

Conditions:
Epilepsy, progressive myoclonic, 1B. Also called: PME. Identifiers: Orphanet 308, MedGen C2676254, MONDO:0012904, OMIM 612437.

Allele frequency attached by ClinVar (database versions not stated): gnomAD exomes below 0.00001; TOPMed below 0.00001; gnomAD 0.00001.
gnomAD v4.1: 2 of 1,614,048 alleles (0.00012%); highest among the groups gnomAD compares: African/African-American, 0.0013%; no homozygotes.

Submission:

Labcorp Genetics (formerly Invitae), Labcorp
Classification: Uncertain significance for Epilepsy, progressive myoclonic, 1B. Last evaluated: 2019-02-06. Review status: criteria provided, single submitter. Criteria: Invitae Variant Classification Sherloc (09022015). Collection method: clinical testing. Allele origin: germline.
Comment: In summary, the available evidence is currently insufficient to determine the role of this variant in disease. Therefore, it has been classified as a Variant of Uncertain Significance. Algorithms developed to predict the effect of sequence changes on RNA splicing suggest that this variant may create or strengthen a splice site, but this prediction has not been confirmed by published transcriptional studies. Algorithms developed to predict the effect of missense changes on protein structure and function (SIFT, PolyPhen-2, Align-GVGD) all suggest that this variant is likely to be disruptive, but these predictions have not been confirmed by published functional studies and their clinical significance is uncertain. This variant has not been reported in the literature in individuals with PRICKLE1-related conditions. This variant is not present in population databases (ExAC no frequency). This sequence change replaces asparagine with serine at codon 544 of the PRICKLE1 protein (p.Asn544Ser). The asparagine residue is highly conserved and there is a small physicochemical difference between asparagine and serine.